The following is an entry in ClinVar:

ClinVar aggregate classification (germline): Pathogenic (1 of 4 stars; one submission).

Conditions:
Hereditary cancer-predisposing syndrome. Also called: Tumor predisposition; Hereditary Cancer Syndrome; Hereditary neoplastic syndrome; Neoplastic Syndromes, Hereditary. Identifiers: Orphanet 140162, MedGen C0027672, MeSH D009386, MONDO:0015356.

Submission:

Ambry Genetics
Classification: Pathogenic for Hereditary cancer-predisposing syndrome. Last evaluated: 2024-06-24. Review status: criteria provided, single submitter. Criteria: Ambry Variant Classification Scheme 2023. Collection method: clinical testing. Allele origin: germline.
Comment: The c.1085_1086delCT pathogenic mutation, located in coding exon 4 of the MSH6 gene, results from a deletion of two nucleotides at nucleotide positions 1085 to 1086, causing a translational frameshift with a predicted alternate stop codon (p.P362Hfs*6). This variant is considered to be rare based on population cohorts in the Genome Aggregation Database (gnomAD). This alteration is expected to result in loss of function by premature protein truncation or nonsense-mediated mRNA decay. As such, this alteration is interpreted as a disease-causing mutation.

NM_000179.3(MSH6):c.1085_1086del (p.Pro362fs)

Gene: MSH6 (mutS homolog 6; plus strand). Cytogenetic location: 2p16.3.
Variant type: Deletion.
Coding change: c.1085_1086del on transcript NM_000179.3 (MANE Select); coding-DNA positions 1085 to 1086, 2 bases deleted (CT; older notation c.1085_1086delCT).
Protein change: p.Pro362fs; shifts the reading frame from proline 362.
Molecular consequence: frameshift variant. On other transcripts: non-coding transcript variant (4), intron variant (1).
Genome position (GRCh38, 1-based): chr2:47,799,068-47,799,069, CT deleted. VCF-style (leftmost placement, unchanged base first): chr2-47799067-CCT-C. GRCh37 (hg19) VCF-style: chr2-48026206-CCT-C.
Other names: c.1085_1086del, p.Pro362fs (NM_001406800.1, NM_001406803.1, NM_001406808.1 and 4 more transcripts); c.788_789del, p.Pro263fs (NM_001406801.1, NM_001406805.1, NM_001406818.1 and 10 more transcripts); c.1181_1182del, p.Pro394fs (NM_001406802.1, NM_001406795.1); c.1007_1008del, p.Pro336fs (NM_001406804.1); c.560_561del, p.Pro187fs (NM_001406806.1, NM_001406807.1, NM_001406799.1); c.179_180del, p.Pro60fs (NM_001406811.1, NM_001406812.1, NM_001406814.1 and 6 more transcripts); c.1091_1092del, p.Pro364fs (NM_001406813.1); c.917_918del, p.Pro306fs (NM_001406826.1); and 2 more; short protein forms P187fs, P364fs, P232fs, P263fs, P306fs, P336fs, P362fs, P394fs.
Identifiers: ClinVar variation 3296422 (VCV003296422.1).